The following is an entry in ClinVar:

ClinVar aggregate classification (germline): Likely benign. Review status: criteria provided, multiple submitters, no conflicts (2 of 4 stars). 3 submissions from 3 submitters: Likely benign (3). Last evaluated 2026-01-20.

Conditions:
Hereditary cancer-predisposing syndrome. Also called: Neoplastic Syndromes, Hereditary; Hereditary neoplastic syndrome; Tumor predisposition; Hereditary Cancer Syndrome. Identifiers: Orphanet 140162, MedGen C0027672, MeSH D009386, MONDO:0015356.
Familial cancer of breast. Also called: BREAST CANCER, FAMILIAL; hereditary breast carcinoma; Hereditary breast cancer. Identifiers: Orphanet 227535, MedGen C0346153, MONDO:0016419, OMIM 114480. Disease mechanism: loss of function.
Fanconi anemia complementation group J. Also called: BRIP1-Related Fanconi Anemia. Identifiers: Orphanet 84, MedGen C1836860, MONDO:0012187, OMIM 609054.

Allele frequency attached by ClinVar (database versions not stated): gnomAD 0.00001 and 0.00002; gnomAD exomes 0.00001; TOPMed 0.00001; ExAC 0.00003; ESP Exome Variant Server 0.00008; 1000 Genomes Project 0.00020; 1000 Genomes Project 30x 0.00031.
gnomAD v4.1: 10 of 1,594,514 alleles (0.00063%); highest among the groups gnomAD compares: African/African-American, 0.0013%; no homozygotes.

Submissions (3):

Labcorp Genetics (formerly Invitae), Labcorp
Classification: Likely benign for Familial cancer of breast; Fanconi anemia complementation group J. Last evaluated: 2026-01-20. Review status: criteria provided, single submitter. Criteria: Invitae Variant Classification Sherloc (09022015). Collection method: clinical testing. Allele origin: germline.

Color Diagnostics, LLC DBA Color Health
Classification: Likely benign for Hereditary cancer-predisposing syndrome. Last evaluated: 2018-08-29. Review status: criteria provided, single submitter. Criteria: ACMG Guidelines, 2015. Collection method: clinical testing. Allele origin: germline.

GeneDx
Classification: Likely benign. Last evaluated: 2016-08-18. Review status: criteria provided, single submitter. Criteria: GeneDx Variant Classification (06012015). Collection method: clinical testing. Allele origin: germline. Affected: yes.
Comment: This variant is considered likely benign or benign based on one or more of the following criteria: it is a conservative change, it occurs at a poorly conserved position in the protein, it is predicted to be benign by multiple in silico algorithms, and/or has population frequency not consistent with disease.

NM_032043.3(BRIP1):c.1473+19C>T

Gene: BRIP1 (BRCA1 interacting DNA helicase 1; minus strand). Cytogenetic location: 17q23.2.
Variant type: single nucleotide variant.
Coding change: c.1473+19C>T on transcript NM_032043.3 (MANE Select); 19 bases into the intron after coding-DNA position 1473, C replaced by T.
Molecular consequence: intron variant.
Genome position (GRCh38, 1-based): chr17:61,793,578, G>A on the plus strand (C>T on the coding strand, the complement: BRIP1 is on the minus strand). VCF-style: chr17-61793578-G-A. GRCh37 (hg19) VCF-style: chr17-59870939-G-A.
Identifiers: ClinVar variation 388793 (VCV000388793.13), dbSNP rs201603389, ClinGen allele CA8690738.